The following is an entry in ClinVar:

NM_015599.3(PGM3):c.1594G>A (p.Gly532Arg)

Genes: DOP1A (DOP1 leucine zipper like protein A; plus strand), PGM3 (phosphoglucomutase 3; minus strand). Cytogenetic location: 6q14.1.
Variant type: single nucleotide variant.
Coding change: c.1594G>A on transcript NM_015599.3 (MANE Select); coding-DNA position 1594, G replaced by A.
Protein change: p.Gly532Arg; replaces glycine 532 with arginine.
Molecular consequence: missense variant. On other transcripts: 3 prime UTR variant (1), non-coding transcript variant (1).
Genome position (GRCh38, 1-based): chr6:83,169,269, C>T on the plus strand (G>A on the coding strand, the complement: PGM3 is on the minus strand). VCF-style: chr6-83169269-C-T. GRCh37 (hg19) VCF-style: chr6-83878988-C-T.
Other names: c.1678G>A, p.Gly560Arg (NM_001199917.2, NM_001367287.1); c.*29G>A (NM_001199918.2); c.1594G>A, p.Gly532Arg (NM_001199919.2); c.1471G>A, p.Gly491Arg (NM_001367286.1); short protein forms G532R, G491R, G560R.
Identifiers: ClinVar variation 2787554 (VCV002787554.3), dbSNP rs2537894763, ClinGen allele CA364877644.

ClinVar aggregate classification (germline): Uncertain significance (1 of 4 stars; one submission).

Conditions:
Immunodeficiency 23 (IMD23). Also called: IMMUNODEFICIENCY WITH HYPER IgE AND COGNITIVE IMPAIRMENT; IMMUNODEFICIENCY-VASCULITIS-MYOCLONUS SYNDROME. Identifiers: Orphanet 443811, MedGen C4014371, MONDO:0014353, OMIM 615816.

Submission:

Labcorp Genetics (formerly Invitae), Labcorp
Classification: Uncertain significance for Immunodeficiency 23. Last evaluated: 2023-02-13. Review status: criteria provided, single submitter. Criteria: Invitae Variant Classification Sherloc (09022015). Collection method: clinical testing. Allele origin: germline.
Comment: This sequence change replaces glycine, which is neutral and non-polar, with arginine, which is basic and polar, at codon 560 of the PGM3 protein (p.Gly560Arg). In summary, the available evidence is currently insufficient to determine the role of this variant in disease. Therefore, it has been classified as a Variant of Uncertain Significance. Algorithms developed to predict the effect of missense changes on protein structure and function are either unavailable or do not agree on the potential impact of this missense change (SIFT: "Deleterious"; PolyPhen-2: "Possibly Damaging"; Align-GVGD: "Class C0"). This variant has not been reported in the literature in individuals affected with PGM3-related conditions. This variant is not present in population databases (gnomAD no frequency).